The following is an entry in ClinVar:

NM_000237.3(LPL):c.1323-2A>G

Gene: LPL (lipoprotein lipase; plus strand). Cytogenetic location: 8p21.3.
Variant type: single nucleotide variant.
Coding change: c.1323-2A>G on transcript NM_000237.3 (MANE Select); the canonical splice acceptor site of the intron before coding-DNA position 1323, A replaced by G.
Molecular consequence: splice acceptor variant.
Genome position (GRCh38, 1-based): chr8:19,962,113, A>G. VCF-style: chr8-19962113-A-G. GRCh37 (hg19) VCF-style: chr8-19819624-A-G.
Identifiers: ClinVar variation 4731933 (VCV004731933.1).

ClinVar aggregate classification (germline): Likely pathogenic (1 of 4 stars; one submission).

Submission:

Labcorp Genetics (formerly Invitae), Labcorp
Classification: Likely pathogenic. Last evaluated: 2025-11-25. Review status: criteria provided, single submitter. Criteria: Invitae Variant Classification Sherloc (09022015). Collection method: clinical testing. Allele origin: germline.
Comment: This sequence change affects an acceptor splice site in intron 8 of the LPL gene. It is expected to disrupt RNA splicing. Variants that disrupt the donor or acceptor splice site typically lead to a loss of protein function (PMID: 16199547), and loss-of-function variants in LPL are known to be pathogenic (PMID: 11334614). This variant is not present in population databases (gnomAD no frequency). This variant has not been reported in the literature in individuals affected with LPL-related conditions. Algorithms developed to predict the effect of sequence changes on RNA splicing suggest that this variant may disrupt the consensus splice site. In summary, the currently available evidence indicates that the variant is pathogenic, but additional data are needed to prove that conclusively. Therefore, this variant has been classified as Likely Pathogenic.

Literature cited by the submitters: PubMed 16199547; PubMed 11334614.